The following is an entry in ClinVar:

ClinVar aggregate classification (germline): Pathogenic (1 of 4 stars; one submission).

Conditions:
Holocarboxylase synthetase deficiency. Also called: MULTIPLE CARBOXYLASE DEFICIENCY, EARLY ONSET. Identifiers: Orphanet 79242, MedGen C0268581, MONDO:0009666, OMIM 253270.

Submission:

Labcorp Genetics (formerly Invitae), Labcorp
Classification: Pathogenic for Holocarboxylase synthetase deficiency. Last evaluated: 2022-01-11. Review status: criteria provided, single submitter. Criteria: Invitae Variant Classification Sherloc (09022015). Collection method: clinical testing. Allele origin: germline.
Comment: This variant is a gross deletion of the genomic region encompassing exon(s) 4-6 of the HLCS gene, which includes the initiator codon. This deletion extends beyond the assayed region for this gene and therefore may encompass additional genes. It is expected to result in an absent or disrupted protein product. Loss-of-function variants in HLCS are known to be pathogenic (PMID: 16134170). This variant has not been reported in the literature in individuals affected with HLCS-related conditions. For these reasons, this variant has been classified as Pathogenic.

Literature cited by the submitters: PubMed 16134170.

NC_000021.8:g.(?_38302541)_(38311304_?)del

Gene: HLCS (holocarboxylase synthetase; minus strand). Cytogenetic location: 21q22.13.
Variant type: Deletion.
Identifiers: ClinVar variation 1071507 (VCV001071507.5).